The following is an entry in ClinVar:

ClinVar aggregate classification (germline): Uncertain significance (1 of 4 stars; one submission).

Conditions:
Autosomal dominant polycystic kidney disease. Identifiers: Orphanet 730, MedGen C0085413, MONDO:0004691.

gnomAD v4.1: 2 of 1,613,834 alleles (0.00012%); highest among the groups gnomAD compares: Non-Finnish European, 0.00017%; no homozygotes.

Submission:

Labcorp Genetics (formerly Invitae), Labcorp
Classification: Uncertain significance for Autosomal dominant polycystic kidney disease. Last evaluated: 2025-02-27. Review status: criteria provided, single submitter. Criteria: Invitae Variant Classification Sherloc (09022015). Collection method: clinical testing. Allele origin: germline.
Comment: This sequence change replaces valine, which is neutral and non-polar, with isoleucine, which is neutral and non-polar, at codon 841 of the PKD2 protein (p.Val841Ile). This variant is not present in population databases (gnomAD no frequency). This variant has not been reported in the literature in individuals affected with PKD2-related conditions. An algorithm developed to predict the effect of missense changes on protein structure and function (PolyPhen-2) suggests that this variant is likely to be disruptive. In summary, the available evidence is currently insufficient to determine the role of this variant in disease. Therefore, it has been classified as a Variant of Uncertain Significance.

NM_000297.4(PKD2):c.2521G>A (p.Val841Ile)

Gene: PKD2 (polycystin 2, transient receptor potential cation channel; plus strand). Cytogenetic location: 4q22.1.
Variant type: single nucleotide variant.
Coding change: c.2521G>A on transcript NM_000297.4 (MANE Select); coding-DNA position 2521, G replaced by A.
Protein change: p.Val841Ile; replaces valine 841 with isoleucine.
Molecular consequence: missense variant. On other transcripts: non-coding transcript variant (1).
Genome position (GRCh38, 1-based): chr4:88,068,060, G>A. VCF-style: chr4-88068060-G-A. GRCh37 (hg19) VCF-style: chr4-88989212-G-A.
Other names: short protein forms V841I.
Identifiers: ClinVar variation 3727172 (VCV003727172.2).